The following is an entry in ClinVar:

ClinVar aggregate classification (germline): Uncertain significance (1 of 4 stars; one submission).

Conditions:
Cardiomyopathy (CMYO). Also called: Cardiomyopathies. Identifiers: Orphanet 167848, MedGen C0878544, MONDO:0004994, HP:0001638. Inheritance: Various modes of inheritance.

Submission:

Color Diagnostics, LLC DBA Color Health
Classification: Uncertain significance for Cardiomyopathy. Last evaluated: 2025-06-17. Review status: criteria provided, single submitter. Criteria: ACMG Guidelines, 2015. Collection method: clinical testing. Allele origin: germline.
Comment: This missense variant replaces aspartic acid with tyrosine at codon 2757 of the DSP protein. Computational prediction suggests that this variant may have deleterious impact on protein structure and function. To our knowledge, functional studies have not been reported for this variant. This variant has not been reported in individuals affected with DSP-related disorders in the literature. This variant has not been identified in the general population by the Genome Aggregation Database (gnomAD). The available evidence is insufficient to determine the role of this variant in disease conclusively. Therefore, this variant is classified as a Variant of Uncertain Significance.

NM_004415.4(DSP):c.8269G>T (p.Asp2757Tyr)

Gene: DSP (desmoplakin; plus strand). Cytogenetic location: 6p24.3.
Variant type: single nucleotide variant.
Coding change: c.8269G>T on transcript NM_004415.4 (MANE Select); coding-DNA position 8269, G replaced by T.
Protein change: p.Asp2757Tyr; replaces aspartic acid 2757 with tyrosine.
Molecular consequence: missense variant.
Genome position (GRCh38, 1-based): chr6:7,585,531, G>T. VCF-style: chr6-7585531-G-T. GRCh37 (hg19) VCF-style: chr6-7585764-G-T.
Other names: c.6472G>T, p.Asp2158Tyr (NM_001008844.3); c.6940G>T, p.Asp2314Tyr (NM_001319034.2); short protein forms D2158Y, D2314Y, D2757Y.
Identifiers: ClinVar variation 4757075 (VCV004757075.1).